The following is an entry in ClinVar:

NM_019844.4(SLCO1B3):c.1972G>A (p.Ala658Thr)

Genes: SLCO1B3 (solute carrier organic anion transporter family member 1B3; plus strand), SLCO1B3-SLCO1B7 (SLCO1B3-SLCO1B7 readthrough; plus strand). Cytogenetic location: 12p12.2.
Variant type: single nucleotide variant.
Coding change: c.1972G>A on transcript NM_019844.4 (MANE Select); coding-DNA position 1972, G replaced by A.
Protein change: p.Ala658Thr; replaces alanine 658 with threonine.
Molecular consequence: missense variant. On other transcripts: intron variant (1).
Genome position (GRCh38, 1-based): chr12:20,916,110, G>A. VCF-style: chr12-20916110-G-A. GRCh37 (hg19) VCF-style: chr12-21069044-G-A.
Other names: c.1888G>A, p.Ala630Thr (NM_001349920.2); c.1865+14643G>A (NM_001371097.1); short protein forms A658T, A630T.
Identifiers: ClinVar variation 4983502 (VCV004983502.1).
Genomic context (GRCh38, chr12:20,916,110, plus strand): 5'-GTTTTATATATTGTTTTCATTTTTGCTATGAAGAAAAAATTTCAAGGAAAAGATACCAAG[G>A]CATCGGACAATGAAAGAAAAGTAATGGATGAAGCAAACTTAGAATTCTTAAATAATGGTG-3'
Protein context (NP_062818.1, residues 648-668): KKKFQGKDTK[Ala658Thr]SDNERKVMDE

ClinVar aggregate classification (germline): Uncertain significance (1 of 4 stars; one submission).

Conditions:
SLCO1B3-related disorder. Also called: SLCO1B3-related condition.

Submission:

PreventionGenetics, part of Exact Sciences
Classification: Uncertain significance for SLCO1B3-related condition. Last evaluated: 2024-12-24. Review status: criteria provided, single submitter. Criteria: ACMG Guidelines, 2015. Collection method: clinical testing. Allele origin: germline.
Comment: The SLCO1B3 c.1972G>A variant is predicted to result in the amino acid substitution p.Ala658Thr. To our knowledge, this variant has not been reported in the literature or in a large population database (gnomAD), indicating this variant is rare. At this time, the clinical significance of this variant is uncertain due to the absence of conclusive functional and genetic evidence.